The following is an entry in ClinVar:

ClinVar aggregate classification (germline): Conflicting classifications of pathogenicity. Review status: criteria provided, conflicting classifications (1 of 4 stars). 3 submissions from 3 submitters: Likely pathogenic (1); Uncertain significance (2). Last evaluated 2025-12-08.

Conditions:
Coenzyme Q10 deficiency, primary, 3 (COQ10D3). Identifiers: Orphanet 255249, MedGen C3553358, MONDO:0013838, OMIM 614652.

Allele frequency attached by ClinVar (database versions not stated): ExAC 0.00004; gnomAD exomes 0.00004 and 0.00008; TOPMed 0.00006; gnomAD 0.00007 and 0.00008.

Submissions (3):

Mayo Clinic Laboratories, Mayo Clinic
Classification: Uncertain significance. Last evaluated: 2025-12-08. Review status: criteria provided, single submitter. Criteria: ACMG Guidelines, 2015. Collection method: clinical testing. Allele origin: germline. Observed: 1 variant allele.

Fulgent Genetics
Classification: Uncertain significance for Coenzyme Q10 deficiency, primary, 3. Last evaluated: 2024-02-06. Review status: criteria provided, single submitter. Criteria: ACMG Guidelines, 2015. Collection method: clinical testing. Allele origin: germline.

GeneDx
Classification: Likely pathogenic. Last evaluated: 2013-02-18. Review status: criteria provided, single submitter. Criteria: GeneDx Variant Classification (06012015). Collection method: clinical testing. Allele origin: germline. Affected: yes.
Comment: p.His92Pro (CAC>CCC): c.275 A>C in exon 1 of the PDSS2 gene (NM_020381.3). The H92P variant is associated with primary Coenzyme Q10 deficiency. H92P is a non-conservative amino acid change as a positively charged, polar Histidine residue is replaced with an uncharged, non-polar Proline residue with a unique ring structure at a position that is highly conserved across species. Additionally, multiple in silico prediction algorithms predict H92P to be damaging to the PDSS2 protein. Therefore, H92P is a strong candidate for a disease-causing mutation, however the possibility that it is a benign variant cannot be excluded. The variant is found in MITONUC-MITOP panel(s).

NM_020381.4(PDSS2):c.275A>C (p.His92Pro)

Gene: PDSS2 (decaprenyl diphosphate synthase subunit 2; minus strand). Cytogenetic location: 6q21.
Variant type: single nucleotide variant.
Coding change: c.275A>C on transcript NM_020381.4 (MANE Select); coding-DNA position 275, A replaced by C.
Protein change: p.His92Pro; replaces histidine 92 with proline.
Molecular consequence: missense variant.
Genome position (GRCh38, 1-based): chr6:107,459,011, T>G on the plus strand (A>C on the coding strand, the complement: PDSS2 is on the minus strand). VCF-style: chr6-107459011-T-G. GRCh37 (hg19) VCF-style: chr6-107780215-T-G.
Other names: p.His92Pro; short protein forms H92P.
Identifiers: ClinVar variation 214991 (VCV000214991.3), dbSNP rs143549737, ClinGen allele CA324153.